The following is an entry in ClinVar:

ClinVar aggregate classification (germline): Uncertain significance. Review status: criteria provided, multiple submitters, no conflicts (2 of 4 stars). 5 submissions from 5 submitters: Uncertain significance (5). Last evaluated 2026-03-12.

Conditions:
DHCR7-related disorder. Also called: DHCR7-related condition.
Smith-Lemli-Opitz syndrome (SLOS). Also called: POLYDACTYLY, SEX REVERSAL, RENAL HYPOPLASIA, AND UNILOBAR LUNG; RSH SYNDROME; RUTLEDGE LETHAL MULTIPLE CONGENITAL ANOMALY SYNDROME; 7-Dehydrocholesterol reductase deficiency; LETHAL ACRODYSGENITAL SYNDROME. Identifiers: Orphanet 818, MedGen C0175694, MONDO:0010035, OMIM 270400.
Inborn genetic diseases. Identifiers: MedGen C0950123, MeSH D030342.

Allele frequency attached by ClinVar (database versions not stated): TOPMed below 0.00001; gnomAD 0.00001; ExAC 0.00002; gnomAD exomes 0.00003 and 0.00005; 1000 Genomes Project 30x 0.00031; 1000 Genomes Project 0.00040.

Submissions (5):

Ambry Genetics
Classification: Uncertain significance for Inborn genetic diseases. Last evaluated: 2026-03-12. Review status: criteria provided, single submitter. Criteria: Ambry Variant Classification Scheme 2023. Collection method: clinical testing. Allele origin: germline.
Comment: The c.571G>A (p.V191I) alteration is located in exon 6 (coding exon 4) of the DHCR7 gene. This alteration results from a G to A substitution at nucleotide position 571, causing the valine (V) at amino acid position 191 to be replaced by an isoleucine (I). Based on data from gnomAD, the A allele has an overall frequency of 0.005% (12/250526) total alleles studied. The highest observed frequency was 0.01% (3/30616) of South Asian alleles. Based on insufficient or conflicting evidence, the clinical significance of this alteration remains unclear.

PreventionGenetics, part of Exact Sciences
Classification: Uncertain significance for DHCR7-related condition. Last evaluated: 2025-08-05. Review status: criteria provided, single submitter. Criteria: ACMG Guidelines, 2015. Collection method: clinical testing. Allele origin: germline.
Comment: The DHCR7 c.571G>A variant is predicted to result in the amino acid substitution p.Val191Ile. To our knowledge, this variant has not been reported in the literature. This variant is reported in 0.0098% of alleles in individuals of South Asian descent in gnomAD. At this time, the clinical significance of this variant is uncertain due to the absence of conclusive functional and genetic evidence.

GeneDx
Classification: Uncertain significance. Last evaluated: 2023-12-29. Review status: criteria provided, single submitter. Criteria: GeneDx Variant Classification Process June 2021. Collection method: clinical testing. Allele origin: germline. Affected: yes.
Comment: Not observed at significant frequency in large population cohorts (gnomAD); In silico analysis supports that this missense variant does not alter protein structure/function; Has not been previously published as pathogenic or benign to our knowledge

Labcorp Genetics (formerly Invitae), Labcorp
Classification: Uncertain significance for Smith-Lemli-Opitz syndrome. Last evaluated: 2022-07-18. Review status: criteria provided, single submitter. Criteria: Invitae Variant Classification Sherloc (09022015). Collection method: clinical testing. Allele origin: germline.
Comment: This sequence change replaces valine, which is neutral and non-polar, with isoleucine, which is neutral and non-polar, at codon 191 of the DHCR7 protein (p.Val191Ile). This variant is present in population databases (rs532635888, gnomAD 0.01%). This variant has not been reported in the literature in individuals affected with DHCR7-related conditions. ClinVar contains an entry for this variant (Variation ID: 595482). Algorithms developed to predict the effect of missense changes on protein structure and function (SIFT, PolyPhen-2, Align-GVGD) all suggest that this variant is likely to be tolerated. In summary, the available evidence is currently insufficient to determine the role of this variant in disease. Therefore, it has been classified as a Variant of Uncertain Significance.

Eurofins Ntd Llc (ga)
Classification: Uncertain significance. Last evaluated: 2017-12-21. Review status: criteria provided, single submitter. Criteria: EGL Classification Definitions 2015. Collection method: clinical testing. Allele origin: germline. Observed: 1 variant allele, 1 heterozygote.

NM_001360.3(DHCR7):c.571G>A (p.Val191Ile)

Gene: DHCR7 (7-dehydrocholesterol reductase; minus strand). Cytogenetic location: 11q13.4.
Variant type: single nucleotide variant.
Coding change: c.571G>A on transcript NM_001360.3 (MANE Select); coding-DNA position 571, G replaced by A.
Protein change: p.Val191Ile; replaces valine 191 with isoleucine.
Molecular consequence: missense variant.
Genome position (GRCh38, 1-based): chr11:71,441,282, C>T on the plus strand (G>A on the coding strand, the complement: DHCR7 is on the minus strand). VCF-style: chr11-71441282-C-T. GRCh37 (hg19) VCF-style: chr11-71152328-C-T.
Other names: c.571G>A (NM_001360.2); c.571G>A, p.Val191Ile (NM_001163817.2); short protein forms V191I.
Identifiers: ClinVar variation 595482 (VCV000595482.11), dbSNP rs532635888, ClinGen allele CA6162533.